The following is an entry in ClinVar:

ClinVar aggregate classification (germline): Uncertain significance (1 of 4 stars; one submission).

Conditions:
Early-infantile DEE. Also called: Early infantile epileptic encephalopathy; Early infantile epileptic encephalopathy with suppression bursts; Ohtahara syndrome. Identifiers: Orphanet 1934, MedGen C0393706, MONDO:0800491.

Submission:

Labcorp Genetics (formerly Invitae), Labcorp
Classification: Uncertain significance for Early-infantile DEE. Last evaluated: 2023-09-08. Review status: criteria provided, single submitter. Criteria: Invitae Variant Classification Sherloc (09022015). Collection method: clinical testing. Allele origin: germline.
Comment: In summary, the available evidence is currently insufficient to determine the role of this variant in disease. Therefore, it has been classified as a Variant of Uncertain Significance. Advanced modeling of protein sequence and biophysical properties (such as structural, functional, and spatial information, amino acid conservation, physicochemical variation, residue mobility, and thermodynamic stability) performed at Invitae indicates that this missense variant is expected to disrupt SCN1A protein function. This variant has not been reported in the literature in individuals affected with SCN1A-related conditions. This variant is not present in population databases (gnomAD no frequency). This sequence change replaces serine, which is neutral and polar, with phenylalanine, which is neutral and non-polar, at codon 1346 of the SCN1A protein (p.Ser1346Phe).

NM_001165963.4(SCN1A):c.4037C>T (p.Ser1346Phe)

Genes: SCN1A (sodium voltage-gated channel alpha subunit 1; minus strand), LOC102724058 (uncharacterized LOC102724058; plus strand). Cytogenetic location: 2q24.3.
Variant type: single nucleotide variant.
Coding change: c.4037C>T on transcript NM_001165963.4 (MANE Select); coding-DNA position 4037, C replaced by T.
Protein change: p.Ser1346Phe; replaces serine 1346 with phenylalanine.
Molecular consequence: missense variant. On other transcripts: non-coding transcript variant (1).
Genome position (GRCh38, 1-based): chr2:166,002,719, G>A on the plus strand (C>T on the coding strand, the complement: SCN1A is on the minus strand). VCF-style: chr2-166002719-G-A. GRCh37 (hg19) VCF-style: chr2-166859229-G-A.
Other names: c.3953C>T, p.Ser1318Phe (NM_001165964.3, NM_001353957.2, NM_001353958.2); c.4037C>T, p.Ser1346Phe (NM_001202435.3, NM_001353948.2); c.4004C>T, p.Ser1335Phe (NM_001353949.2, NM_001353950.2, NM_001353951.2 and 2 more transcripts); c.4001C>T, p.Ser1334Phe (NM_001353954.2, NM_001353955.2); c.3950C>T, p.Ser1317Phe (NM_001353960.2); c.1595C>T, p.Ser532Phe (NM_001353961.2); short protein forms S1335F, S1317F, S1318F, S1334F, S532F, S1346F.
Identifiers: ClinVar variation 2718946 (VCV002718946.3), dbSNP rs1451590598, ClinGen allele CA349050744.
Genomic context (GRCh38, chr2:166,002,719, plus strand): 5'-ACGCCCATGATGCTGAAAATTAGCCAGAATATAAGACAAACCAGAAGCACATTCATGATG[G>A]ATGGAATTGCTCCTAAAAGGGCATTCACAACCACCTAATACACAAATGGAAAAAAAGAAA-3'
Protein context (NP_001159435.1, residues 1336-1356): VVNALLGAIP[Ser1346Phe]IMNVLLVCLI